The following is an entry in ClinVar:

NM_177438.3(DICER1):c.1472A>G (p.Asn491Ser)

Gene: DICER1 (dicer 1, ribonuclease III; minus strand). Cytogenetic location: 14q32.13.
Variant type: single nucleotide variant.
Coding change: c.1472A>G on transcript NM_177438.3 (MANE Select); coding-DNA position 1472, A replaced by G.
Protein change: p.Asn491Ser; replaces asparagine 491 with serine.
Molecular consequence: missense variant.
Genome position (GRCh38, 1-based): chr14:95,117,659, T>C on the plus strand (A>G on the coding strand, the complement: DICER1 is on the minus strand). VCF-style: chr14-95117659-T-C. GRCh37 (hg19) VCF-style: chr14-95583996-T-C.
Other names: NM_177438.3(DICER1):c.1472A>G; p.Asn491Ser; c.1472A>G, p.Asn491Ser (NM_001195573.1, NM_001271282.3, NM_001291628.2 and 1 more transcripts); short protein forms N491S.
Identifiers: ClinVar variation 1057551 (VCV001057551.14), dbSNP rs2140137627, ClinGen allele CA390885499.

ClinVar aggregate classification (germline): Uncertain significance. Review status: reviewed by expert panel (3 of 4 stars). 3 submissions from 3 submitters: Uncertain significance (1). 2 of the submissions do not count toward it. Last evaluated 2025-10-28.

Conditions:
Hereditary cancer-predisposing syndrome. Also called: Tumor predisposition; Neoplastic Syndromes, Hereditary; Hereditary Cancer Syndrome; Hereditary neoplastic syndrome. Identifiers: Orphanet 140162, MedGen C0027672, MeSH D009386, MONDO:0015356.
DICER1-related tumor predisposition. Also called: DICER1 syndrome; DICER1-related pleuropulmonary blastoma cancer predisposition syndrome. Identifiers: Orphanet 284343, MedGen C3839822, MONDO:0100216.

Allele frequency attached by ClinVar (database versions not stated): gnomAD exomes below 0.00001.
gnomAD v4.1: 2 of 1,614,122 alleles (0.00012%); highest among the groups gnomAD compares: Non-Finnish European, 0.00017%; no homozygotes.

Submissions (3):

ClinGen DICER1 and miRNA-Processing Gene Variant Curation Expert Panel, ClinGen
Classification: Uncertain significance for DICER1-related tumor predisposition. Last evaluated: 2025-10-28. Review status: reviewed by expert panel. Criteria: ClinGen DICER1 ACMG Specifications DICER1 V1.4.0. Collection method: curation. Allele origin: germline. Inheritance: Autosomal dominant inheritance.
Comment: The NM_177438.3:c.1472A>G variant in DICER1 is a missense variant predicted to cause substitution of asparagine by serine at amino acid 491 (p.Asn491Ser). Although this variant has been observed in individuals undergoing genetic sequencing, to our knowledge, this variant has not been reported in individuals with DICER1-related tumor predisposition (PS4 not met; Internal lab contributors). This variant has an allele frequency of 0.000001 (2/1614122 alleles) across gnomAD v4.1.0 with a highest population minor allele frequency of 1179964 (2/74786 alleles) in Non-Finnish European population and with multiple alleles present in the Non-Finnish European population (PM2_Supporting, BS1, and BA1 are not met). In silico tools predict no damaging impact of the variant on protein function (REVEL: 0.089; MaxEntScan and SpliceAI: no effect on splicing) (BP4). In summary, this variant meets the criteria to be classified as Uncertain Significance for DICER1-related tumor predisposition based on the ACMG/AMP criteria applied, as specified by the ClinGen DICER1 VCEP: BP4. (Bayesian Points: -1; VCEP specifications version 1.4.0; 10/28/2025).

Ambry Genetics
Classification: Likely benign for Hereditary cancer-predisposing syndrome. Last evaluated: 2024-05-24. Review status: criteria provided, single submitter. Criteria: Ambry Variant Classification Scheme 2023. Collection method: clinical testing. Allele origin: germline. Not counted in ClinVar's aggregate classification.

Labcorp Genetics (formerly Invitae), Labcorp
Classification: Uncertain significance for DICER1-related tumor predisposition. Last evaluated: 2022-10-07. Review status: criteria provided, single submitter. Criteria: Invitae Variant Classification Sherloc (09022015). Collection method: clinical testing. Allele origin: germline. Not counted in ClinVar's aggregate classification.
Comment: This sequence change replaces asparagine, which is neutral and polar, with serine, which is neutral and polar, at codon 491 of the DICER1 protein (p.Asn491Ser). This variant is not present in population databases (gnomAD no frequency). This variant has not been reported in the literature in individuals affected with DICER1-related conditions. ClinVar contains an entry for this variant (Variation ID: 1057551). Advanced modeling of protein sequence and biophysical properties (such as structural, functional, and spatial information, amino acid conservation, physicochemical variation, residue mobility, and thermodynamic stability) performed at Invitae indicates that this missense variant is not expected to disrupt DICER1 protein function. In summary, the available evidence is currently insufficient to determine the role of this variant in disease. Therefore, it has been classified as a Variant of Uncertain Significance.